The following is an entry in ClinVar:

ClinVar aggregate classification (germline): Pathogenic. Review status: criteria provided, single submitter (1 of 4 stars). 2 submissions from 2 submitters: Pathogenic (1). 1 of the submissions does not count toward it. Last evaluated 2023-05-09.

Conditions:
Autoimmune lymphoproliferative syndrome type 1. Also called: AUTOIMMUNE LYMPHOPROLIFERATIVE SYNDROME, TYPE I, AUTOSOMAL DOMINANT. Identifiers: Orphanet 3261, MedGen C2717884, MONDO:0011158, OMIM 601859.
FAS-related autoimmune lymphoproliferative syndrome. Also called: AUTOIMMUNE LYMPHOPROLIFERATIVE SYNDROME, TYPE IA, AUTOSOMAL RECESSIVE; AUTOIMMUNE LYMPHOPROLIFERATIVE SYNDROME, TYPE IA. Identifiers: MedGen C1866119, MONDO:1060194.

Submissions (2):

Labcorp Genetics (formerly Invitae), Labcorp
Classification: Pathogenic for Autoimmune lymphoproliferative syndrome. Last evaluated: 2023-05-09. Review status: criteria provided, single submitter. Criteria: Invitae Variant Classification Sherloc (09022015). Collection method: clinical testing. Allele origin: germline.
Comment: For these reasons, this variant has been classified as Pathogenic. Variants that disrupt the consensus splice site are a relatively common cause of aberrant splicing (PMID: 17576681, 9536098). Studies have shown that this variant is associated with altered splicing resulting in multiple RNA products (PMID: 7540117). ClinVar contains an entry for this variant (Variation ID: 16498). This variant has been observed in individual(s) with autoimmune lymphoproliferative syndrome (PMID: 7540117; Invitae). This variant is not present in population databases (gnomAD no frequency). This sequence change falls in intron 3 of the FAS gene. It does not directly change the encoded amino acid sequence of the FAS protein. It affects a nucleotide within the consensus splice site.

OMIM
Classification: Pathogenic for AUTOIMMUNE LYMPHOPROLIFERATIVE SYNDROME, TYPE IA. Last evaluated: 1995-06-16. Review status: no assertion criteria provided. Collection method: literature only. Allele origin: germline. Not counted in ClinVar's aggregate classification.

Literature cited by the submitters: PubMed 17576681 (cited by Labcorp Genetics (formerly Invitae), Labcorp); PubMed 9536098 (cited by Labcorp Genetics (formerly Invitae), Labcorp); PubMed 7540117 (cited by Labcorp Genetics (formerly Invitae), Labcorp and OMIM).

NM_000043.6(FAS):c.334+2dup

Gene: FAS (Fas cell surface death receptor; plus strand). Cytogenetic location: 10q23.31.
Variant type: Duplication.
Coding change: c.334+2dup on transcript NM_000043.6 (MANE Select); the canonical splice donor site of the intron after coding-DNA position 334, one base duplicated (T; older notation c.334+2dupT).
Molecular consequence: splice donor variant.
Genome position (GRCh38, 1-based): chr10:89,007,839, T duplicated. VCF-style (leftmost placement, unchanged base first): chr10-89007838-G-GT. GRCh37 (hg19) VCF-style: chr10-90767595-G-GT.
Other names: EX3DEL; c.334+2dup (LRG_134t1, NM_152872.4, NM_001320619.2 and 1 more transcripts).
Identifiers: ClinVar variation 16498 (VCV000016498.4), dbSNP rs606231362, ClinGen allele CA212968.